The following is an entry in ClinVar:

ClinVar aggregate classification (germline): Uncertain significance (1 of 4 stars; one submission).

Conditions:
Familial cold autoinflammatory syndrome 2 (FCAS2). Identifiers: Orphanet 247868, MedGen C2673198, MONDO:0012724, OMIM 611762.

Allele frequency attached by ClinVar (database versions not stated): gnomAD exomes below 0.00001.
gnomAD v4.1: 2 of 1,612,996 alleles (0.00012%); highest among the groups gnomAD compares: East Asian, 0.0045%; no homozygotes.

Submission:

Labcorp Genetics (formerly Invitae), Labcorp
Classification: Uncertain significance for Familial cold autoinflammatory syndrome 2. Last evaluated: 2021-03-20. Review status: criteria provided, single submitter. Criteria: Invitae Variant Classification Sherloc (09022015). Collection method: clinical testing. Allele origin: germline.
Comment: In summary, the available evidence is currently insufficient to determine the role of this variant in disease. Therefore, it has been classified as a Variant of Uncertain Significance. Algorithms developed to predict the effect of missense changes on protein structure and function (SIFT, PolyPhen-2, Align-GVGD) all suggest that this variant is likely to be disruptive, but these predictions have not been confirmed by published functional studies and their clinical significance is uncertain. This variant has not been reported in the literature in individuals with NLRP12-related conditions. This variant is not present in population databases (ExAC no frequency). This sequence change replaces isoleucine with threonine at codon 194 of the NLRP12 protein (p.Ile194Thr). The isoleucine residue is highly conserved and there is a moderate physicochemical difference between isoleucine and threonine.

NM_144687.4(NLRP12):c.581T>C (p.Ile194Thr)

Gene: NLRP12 (NLR family pyrin domain containing 12; minus strand). Cytogenetic location: 19q13.42.
Variant type: single nucleotide variant.
Coding change: c.581T>C on transcript NM_144687.4 (MANE Select); coding-DNA position 581, T replaced by C.
Protein change: p.Ile194Thr; replaces isoleucine 194 with threonine.
Molecular consequence: missense variant.
Genome position (GRCh38, 1-based): chr19:53,811,078, A>G on the plus strand (T>C on the coding strand, the complement: NLRP12 is on the minus strand). VCF-style: chr19-53811078-A-G. GRCh37 (hg19) VCF-style: chr19-54314332-A-G.
Other names: c.581T>C, p.Ile194Thr (NM_001277126.2, NM_001277129.1); short protein forms I194T.
Identifiers: ClinVar variation 1349093 (VCV001349093.8), dbSNP rs1177743594, ClinGen allele CA407416441.